The following is an entry in ClinVar:

ClinVar aggregate classification (germline): Pathogenic (1 of 4 stars; one submission).

Submission:

Quest Diagnostics Nichols Institute San Juan Capistrano
Classification: Pathogenic. Last evaluated: 2023-09-13. Review status: criteria provided, single submitter. Criteria: ACMG/ClinGen CNV Guidelines, 2019. Collection method: clinical testing. Allele origin: unknown.
Comment: This loss is within the distal portion of the region associated with 1p36 deletion syndrome (OMIM 607872; ISCA-37434) and contains proposed causative genes. Individuals with 1p36 deletion syndrome have variable clinical features (Jacquin 2023, Jordan 2015, Shimada 2015). Therefore, based on current medical literature and gene count, this copy number variant (CNV) is classified as pathogenic. References: Jacquin et al., Am J Med Genet A. 2023 Feb;191(2):445-458. PMID: 36369750; Jordan et al., Appl Clin Genet. 2015 Aug 27;8:189-200. PMID: 26345236; Shimada et al., Brain Dev. 2015 May;37(5):515-26. PMID: 25172301

GRCh37/hg19 1p36.33-36.32(chr1:849467-3500877)x1

Genes: ACAP3 (ArfGAP with coiled-coil, ankyrin repeat and PH domains 3; minus strand), ACTRT2 (actin related protein T2; plus strand), AURKAIP1 (aurora kinase A interacting protein 1; minus strand), CDK11B (cyclin dependent kinase 11B; minus strand), CFAP74 (cilia and flagella associated protein 74; minus strand) and 64 more. Cytogenetic location: 1p36.33-36.32.
Variant type: copy number loss.
Change: copy number 1 (one copy instead of two) of chr1:849,467-3,500,877 (2.65 Mb, GRCh37 coordinates, 1-based), cytogenetic band 1p36.33-36.32.
Identifiers: ClinVar variation 2685266 (VCV002685266.1).